The following is an entry in ClinVar:

NM_001378454.1(ALMS1):c.11682del (p.Ile3894fs)

Gene: ALMS1 (ALMS1 centrosome and basal body associated protein; plus strand). Cytogenetic location: 2p13.1.
Variant type: Deletion.
Coding change: c.11682del on transcript NM_001378454.1 (MANE Select); coding-DNA position 11682, one base deleted (T; older notation c.11682delT).
Protein change: p.Ile3894fs; shifts the reading frame from isoleucine 3894.
Molecular consequence: frameshift variant.
Genome position (GRCh38, 1-based): chr2:73,600,691, T deleted; the last of 2 consecutive T bases (chr2:73,600,690-73,600,691); deleting either gives the same sequence. VCF-style (leftmost placement, unchanged base first): chr2-73600689-AT-A. GRCh37 (hg19) VCF-style: chr2-73827816-AT-A.
Other names: c.11685del, p.Ile3895fs (NM_015120.4); short protein forms I3895fs, I3894fs.
Identifiers: ClinVar variation 2764387 (VCV002764387.3), dbSNP rs2466519743, ClinGen allele CA2697548296.

ClinVar aggregate classification (germline): Pathogenic (1 of 4 stars; one submission).

Conditions:
Alstrom syndrome (ALMS). Identifiers: Orphanet 64, MedGen C0268425, MONDO:0008763, OMIM 203800.

Submission:

Labcorp Genetics (formerly Invitae), Labcorp
Classification: Pathogenic for Alstrom syndrome. Last evaluated: 2024-11-21. Review status: criteria provided, single submitter. Criteria: Invitae Variant Classification Sherloc (09022015). Collection method: clinical testing. Allele origin: germline.
Comment: This sequence change creates a premature translational stop signal (p.Ile3895Metfs*2) in the ALMS1 gene. It is expected to result in an absent or disrupted protein product. Loss-of-function variants in ALMS1 are known to be pathogenic (PMID: 17594715). This variant is not present in population databases (gnomAD no frequency). This variant has not been reported in the literature in individuals affected with ALMS1-related conditions. ClinVar contains an entry for this variant (Variation ID: 2764387). For these reasons, this variant has been classified as Pathogenic.

Literature cited by the submitters: PubMed 17594715.